The following is an entry in ClinVar:

ClinVar aggregate classification (germline): Benign/Likely benign. Review status: criteria provided, multiple submitters, no conflicts (2 of 4 stars). 2 submissions from 2 submitters: Benign (1); Likely benign (1). Last evaluated 2025-12-06.

Conditions:
KERA-related disorder. Also called: KERA-related condition.

Allele frequency attached by ClinVar (database versions not stated): gnomAD exomes 0.00032 and 0.00078; ExAC 0.00088; ESP Exome Variant Server 0.00277; gnomAD 0.00301 and 0.00319; TOPMed 0.00305; 1000 Genomes Project 30x 0.00468; 1000 Genomes Project 0.00479.
gnomAD v4.1: 943 of 1,610,866 alleles (0.059%); highest among the groups gnomAD compares: African/African-American, 1%; 5 homozygotes.

Submissions (2):

PreventionGenetics, part of Exact Sciences
Classification: Benign for KERA-related condition. Last evaluated: 2025-12-06. Review status: criteria provided, single submitter. Criteria: ACMG Guidelines, 2015. Collection method: clinical testing. Allele origin: germline.
Comment: This variant is classified as benign based on ACMG/AMP sequence variant interpretation guidelines (Richards et al. 2015 PMID: 25741868, with internal and published modifications).

Labcorp Genetics (formerly Invitae), Labcorp
Classification: Likely benign. Last evaluated: 2025-10-06. Review status: criteria provided, single submitter. Criteria: Invitae Variant Classification Sherloc (09022015). Collection method: clinical testing. Allele origin: germline.

NM_007035.4(KERA):c.938G>A (p.Arg313Gln)

Gene: KERA (keratocan; minus strand). Cytogenetic location: 12q21.33.
Variant type: single nucleotide variant.
Coding change: c.938G>A on transcript NM_007035.4 (MANE Select); coding-DNA position 938, G replaced by A.
Protein change: p.Arg313Gln; replaces arginine 313 with glutamine.
Molecular consequence: missense variant.
Genome position (GRCh38, 1-based): chr12:91,051,467, C>T on the plus strand (G>A on the coding strand, the complement: KERA is on the minus strand). VCF-style: chr12-91051467-C-T. GRCh37 (hg19) VCF-style: chr12-91445244-C-T.
Other names: short protein forms R313Q.
Identifiers: ClinVar variation 781087 (VCV000781087.9), dbSNP rs34009810, ClinGen allele CA6716459.
Genomic context (GRCh38, chr12:91,051,467, plus strand): 5'-TTGATTTCATTTCCATCCAGACGGAGGTAGCGAAGATGAGGTCCATAACTGAAGGAATCT[C>T]GTTCTGCAGGCAGCATGGATGGGCTGGGACATATTACAGAGACATTCACACCTACAGTGA-3'
Protein context (NP_008966.1, residues 303-323): CPSPSMLPAE[Arg313Gln]DSFSYGPHLR